The following is an entry in ClinVar:

NM_001042492.3(NF1):c.1907C>A (p.Ser636Tyr)

Gene: NF1 (neurofibromin 1; plus strand). Cytogenetic location: 17q11.2.
Variant type: single nucleotide variant.
Coding change: c.1907C>A on transcript NM_001042492.3 (MANE Select); coding-DNA position 1907, C replaced by A.
Protein change: p.Ser636Tyr; replaces serine 636 with tyrosine.
Molecular consequence: missense variant.
Genome position (GRCh38, 1-based): chr17:31,225,156, C>A. VCF-style: chr17-31225156-C-A. GRCh37 (hg19) VCF-style: chr17-29552174-C-A.
Other names: c.1907C>A, p.Ser636Tyr (NM_000267.4); short protein forms S636Y.
Identifiers: ClinVar variation 573787 (VCV000573787.5), dbSNP rs780412565, ClinGen allele CA399005256.

ClinVar aggregate classification (germline): Uncertain significance (1 of 4 stars; one submission).

Conditions:
Neurofibromatosis, type 1 (NF1). Also called: Peripheral type neurofibromatosis; VON RECKLINGHAUSEN DISEASE; Neurofibromatosis, type I; NEUROFIBROMATOSIS, TYPE I, SOMATIC. Identifiers: Orphanet 636, MedGen C0027831, MONDO:0018975, OMIM 162200. Disease mechanism: loss of function.

Submission:

Labcorp Genetics (formerly Invitae), Labcorp
Classification: Uncertain significance for Neurofibromatosis, type 1. Last evaluated: 2018-06-26. Review status: criteria provided, single submitter. Criteria: Invitae Variant Classification Sherloc (09022015). Collection method: clinical testing. Allele origin: germline.
Comment: In summary, the available evidence is currently insufficient to determine the role of this variant in disease. Therefore, it has been classified as a Variant of Uncertain Significance. Algorithms developed to predict the effect of missense changes on protein structure and function are either unavailable or do not agree on the potential impact of this missense change (SIFT: "Deleterious"; PolyPhen-2: "Benign"; Align-GVGD: "Class C0"). This variant has not been reported in the literature in individuals with NF1-related disease. This variant is not present in population databases (ExAC no frequency). This sequence change replaces serine with tyrosine at codon 636 of the NF1 protein (p.Ser636Tyr). The serine residue is moderately conserved and there is a large physicochemical difference between serine and tyrosine.